The following is an entry in ClinVar:

ClinVar aggregate classification (germline): Pathogenic. Review status: criteria provided, multiple submitters, no conflicts (2 of 4 stars). 2 submissions from 2 submitters: Pathogenic (2). Last evaluated 2026-07-21.

Conditions:
Autosomal recessive nonsyndromic hearing loss 77. Identifiers: Orphanet 90636, MedGen C2746083, MONDO:0013119, OMIM 613079.

Submissions (2):

Myriad Genetics, Inc.
Classification: Pathogenic for Autosomal recessive nonsyndromic hearing loss 77. Last evaluated: 2026-07-21. Review status: criteria provided, single submitter. Criteria: Myriad Autosomal Dominant, Autosomal Recessive and X-Linked Classification Criteria (2023). Collection method: clinical testing. Allele origin: unknown.
Comment: NM_144612.6(LOXHD1):c.2150delA(K717Sfs*28) is a frameshift variant classified as pathogenic in the context of nonsyndromic hearing loss, LOXHD1-related. K717Sfs*28 has not been observed in cases with relevant disease. Relevant functional assessments of this variant are not available in the literature. K717Sfs*28 has not been observed in referenced population frequency databases. In summary, NM_144612.6(LOXHD1):c.2150delA(K717Sfs*28) is a frameshift variant in a gene where loss of function is a known mechanism of disease and is predicted to disrupt protein function. Please note: this variant was assessed in the context of healthy population screening.

Labcorp Genetics (formerly Invitae), Labcorp
Classification: Pathogenic. Last evaluated: 2023-05-02. Review status: criteria provided, single submitter. Criteria: Invitae Variant Classification Sherloc (09022015). Collection method: clinical testing. Allele origin: germline.
Comment: For these reasons, this variant has been classified as Pathogenic. This variant has not been reported in the literature in individuals affected with LOXHD1-related conditions. This variant is not present in population databases (gnomAD no frequency). This sequence change creates a premature translational stop signal (p.Lys717Serfs*28) in the LOXHD1 gene. It is expected to result in an absent or disrupted protein product. Loss-of-function variants in LOXHD1 are known to be pathogenic (PMID: 19732867, 21465660, 25792669).

Literature cited by the submitters: PubMed 19732867 (cited by Labcorp Genetics (formerly Invitae), Labcorp); PubMed 21465660 (cited by Labcorp Genetics (formerly Invitae), Labcorp); PubMed 25792669 (cited by Labcorp Genetics (formerly Invitae), Labcorp).

NM_001384474.1(LOXHD1):c.2150del (p.Lys717fs)

Gene: LOXHD1 (lipoxygenase homology PLAT domains 1; minus strand). Cytogenetic location: 18q21.1.
Variant type: Deletion.
Coding change: c.2150del on transcript NM_001384474.1 (MANE Select); coding-DNA position 2150, one base deleted (A; older notation c.2150delA).
Protein change: p.Lys717fs; shifts the reading frame from lysine 717.
Molecular consequence: frameshift variant.
Genome position (GRCh38, 1-based): chr18:46,569,536, T deleted on the plus strand (A on the coding strand, the reverse complement: LOXHD1 is on the minus strand); the first of 2 consecutive T bases (chr18:46,569,536-46,569,537); deleting either gives the same sequence. VCF-style (leftmost placement, unchanged base first): chr18-46569535-CT-C. GRCh37 (hg19) VCF-style: chr18-44149498-CT-C.
Other names: c.2150del, p.Lys717fs (NM_144612.7); short protein forms K717fs.
Identifiers: ClinVar variation 2861586 (VCV002861586.4), dbSNP rs2511858906, ClinGen allele CA2739268722.